The following is an entry in ClinVar:

NM_001148.6(ANK2):c.9610A>G (p.Met3204Val)

Gene: ANK2 (ankyrin 2; plus strand). Cytogenetic location: 4q26.
Variant type: single nucleotide variant.
Coding change: c.9610A>G on transcript NM_001148.6 (MANE Select); coding-DNA position 9610, A replaced by G.
Protein change: p.Met3204Val; replaces methionine 3204 with valine.
Molecular consequence: missense variant. On other transcripts: intron variant (68).
Genome position (GRCh38, 1-based): chr4:113,358,228, A>G. VCF-style: chr4-113358228-A-G. GRCh37 (hg19) VCF-style: chr4-114279384-A-G.
Other names: c.9376A>G, p.Met3126Val (NM_001386142.1); c.6010A>G, p.Met2004Val (NM_001386166.1); c.9751A>G, p.Met3251Val (NM_001386174.1); c.9727A>G, p.Met3243Val (NM_001386175.1); c.4412-2595A>G (NM_001386186.2, NM_001386148.2); c.4214-2595A>G (NM_001354269.3); c.4292-2595A>G (NM_001386187.2); c.4253-2595A>G (NM_001386147.1); and 35 more; short protein forms M3204V, M2004V, M3126V, M3243V, M3251V.
Identifiers: ClinVar variation 3863929 (VCV003863929.1).

ClinVar aggregate classification (germline): Uncertain significance (1 of 4 stars; one submission).

Conditions:
Cardiovascular phenotype. Identifiers: MedGen CN230736.

gnomAD v4.1: 5 of 1,613,974 alleles (0.00031%); highest among the groups gnomAD compares: South Asian, 0.0033%; no homozygotes.

Submission:

Ambry Genetics
Classification: Uncertain significance for Cardiovascular phenotype. Last evaluated: 2024-12-29. Review status: criteria provided, single submitter. Criteria: Ambry Variant Classification Scheme 2023. Collection method: clinical testing. Allele origin: germline.
Comment: The p.M3204V variant (also known as c.9610A>G), located in coding exon 38 of the ANK2 gene, results from an A to G substitution at nucleotide position 9610. The methionine at codon 3204 is replaced by valine, an amino acid with highly similar properties. This amino acid position is conserved. In addition, this alteration is predicted to be tolerated by in silico analysis. Based on the available evidence, the clinical significance of this variant remains unclear.